The following is an entry in ClinVar:

NM_001041.4(SI):c.560A>G (p.Asp187Gly)

Gene: SI (sucrase-isomaltase; minus strand). Cytogenetic location: 3q26.1.
Variant type: single nucleotide variant.
Coding change: c.560A>G on transcript NM_001041.4 (MANE Select); coding-DNA position 560, A replaced by G.
Protein change: p.Asp187Gly; replaces aspartic acid 187 with glycine.
Molecular consequence: missense variant.
Genome position (GRCh38, 1-based): chr3:165,067,415, T>C on the plus strand (A>G on the coding strand, the complement: SI is on the minus strand). VCF-style: chr3-165067415-T-C. GRCh37 (hg19) VCF-style: chr3-164785203-T-C.
Other names: short protein forms D187G.
Identifiers: ClinVar variation 1430181 (VCV001430181.5), dbSNP rs771682590, ClinGen allele CA2691445.
Genomic context (GRCh38, chr3:165,067,415, plus strand): 5'-CTTTTCCTAATAACTTGGATGCTAAATGGGTTTTGGGCAACCTTCACATCATACAACGTA[T>C]CAGAAACTGTGGGTCCAGTAAACTCTTTTACATACTGATGAGGAACTTCATATCTTCTAT-3'
Protein context (NP_001032.2, residues 177-197): VKEFTGPTVS[Asp187Gly]TLYDVKVAQN

ClinVar aggregate classification (germline): Uncertain significance (1 of 4 stars; one submission).

Allele frequency attached by ClinVar (database versions not stated): ExAC 0.00001; gnomAD exomes 0.00001 and 0.00002; TOPMed 0.00001.

Submission:

Labcorp Genetics (formerly Invitae), Labcorp
Classification: Uncertain significance. Last evaluated: 2022-07-25. Review status: criteria provided, single submitter. Criteria: Invitae Variant Classification Sherloc (09022015). Collection method: clinical testing. Allele origin: germline.
Comment: This sequence change replaces aspartic acid, which is acidic and polar, with glycine, which is neutral and non-polar, at codon 187 of the SI protein (p.Asp187Gly). This variant is present in population databases (rs771682590, gnomAD 0.004%). This variant has not been reported in the literature in individuals affected with SI-related conditions. ClinVar contains an entry for this variant (Variation ID: 1430181). Advanced modeling of protein sequence and biophysical properties (such as structural, functional, and spatial information, amino acid conservation, physicochemical variation, residue mobility, and thermodynamic stability) performed at Invitae indicates that this missense variant is not expected to disrupt SI protein function. Algorithms developed to predict the effect of sequence changes on RNA splicing suggest that this variant may disrupt the consensus splice site. In summary, the available evidence is currently insufficient to determine the role of this variant in disease. Therefore, it has been classified as a Variant of Uncertain Significance.